The following is an entry in ClinVar:

NM_006218.4(PIK3CA):c.1664+18G>A

Gene: PIK3CA (phosphatidylinositol-4,5-bisphosphate 3-kinase catalytic subunit alpha; plus strand). Cytogenetic location: 3q26.32.
Variant type: single nucleotide variant.
Coding change: c.1664+18G>A on transcript NM_006218.4 (MANE Select); 18 bases into the intron after coding-DNA position 1664, G replaced by A.
Molecular consequence: intron variant.
Genome position (GRCh38, 1-based): chr3:179,218,352, G>A. VCF-style: chr3-179218352-G-A. GRCh37 (hg19) VCF-style: chr3-178936140-G-A.
Identifiers: ClinVar variation 132956 (VCV000132956.5), dbSNP rs104886001, ClinGen allele CA269868.

ClinVar aggregate classification (germline): Likely benign. Review status: criteria provided, single submitter (1 of 4 stars). 2 submissions from 2 submitters: Likely benign (1). 1 of the submissions does not count toward it. Last evaluated 2023-08-28.

Conditions:
Cowden syndrome (CS). Also called: Cowden's disease; Cowden's syndrome; Cowden disease. Identifiers: Orphanet 201, MedGen C0018553, MONDO:0016063. Disease mechanism: gain of function.
Familial cancer of breast. Also called: Hereditary breast cancer; BREAST CANCER, FAMILIAL; hereditary breast carcinoma. Identifiers: Orphanet 227535, MedGen C0346153, MONDO:0016419, OMIM 114480. Disease mechanism: loss of function.

Submissions (2):

Labcorp Genetics (formerly Invitae), Labcorp
Classification: Likely benign for Cowden syndrome. Last evaluated: 2023-08-28. Review status: criteria provided, single submitter. Criteria: Invitae Variant Classification Sherloc (09022015). Collection method: clinical testing. Allele origin: germline.

Laboratory of Translational Genomics,  National Cancer Institute
No classification provided. Condition: Familial cancer of breast. Review status: no classification provided. Collection method: not provided. Allele origin: somatic. Not counted in ClinVar's aggregate classification.
Comment: Breast Cancer specimen